The following is an entry in ClinVar:

NM_000059.4(BRCA2):c.7294A>G (p.Arg2432Gly)

Gene: BRCA2 (BRCA2 DNA repair associated; plus strand). Cytogenetic location: 13q13.1.
Variant type: single nucleotide variant.
Coding change: c.7294A>G on transcript NM_000059.4 (MANE Select); coding-DNA position 7294, A replaced by G.
Protein change: p.Arg2432Gly; replaces arginine 2432 with glycine.
Molecular consequence: missense variant.
Genome position (GRCh38, 1-based): chr13:32,355,147, A>G. VCF-style: chr13-32355147-A-G. GRCh37 (hg19) VCF-style: chr13-32929284-A-G.
Other names: short protein forms R2432G.
Identifiers: ClinVar variation 479306 (VCV000479306.18), dbSNP rs1555286073, ClinGen allele CA387740841.

ClinVar aggregate classification (germline): Uncertain significance. Review status: criteria provided, multiple submitters, no conflicts (2 of 4 stars). 5 submissions from 5 submitters: Uncertain significance (5). Last evaluated 2025-10-22.

Conditions:
Hereditary cancer-predisposing syndrome. Also called: Tumor predisposition; Neoplastic Syndromes, Hereditary; Hereditary Cancer Syndrome; Hereditary neoplastic syndrome. Identifiers: Orphanet 140162, MedGen C0027672, MeSH D009386, MONDO:0015356.
Hereditary breast ovarian cancer syndrome. Also called: Hereditary breast and ovarian cancer; Breast and ovarian cancer; Hereditary breast and/or ovarian cancer syndrome; Hereditary breast and ovarian cancer syndrome (HBOC); BRCA1- and BRCA2-Associated Hereditary Breast and Ovarian Cancer; Hereditary breast and ovarian cancer syndrome. Identifiers: Orphanet 145, MedGen C0677776, MeSH D061325, MONDO:0003582. Disease mechanism: loss of function.
Breast-ovarian cancer, familial, susceptibility to, 2 (BROVCA2). Also called: BRCA2 Hereditary Breast and Ovarian Cancer. Identifiers: Orphanet 145, MedGen C2675520, MONDO:0012933, OMIM 612555. Disease mechanism: loss of function.

Allele frequency attached by ClinVar (database versions not stated): gnomAD exomes below 0.00001.
gnomAD v4.1: 2 of 1,613,940 alleles (0.00012%); highest among the groups gnomAD compares: Non-Finnish European, 0.000085%; no homozygotes.

Submissions (5):

Ambry Genetics
Classification: Uncertain significance for Hereditary cancer-predisposing syndrome. Last evaluated: 2025-10-22. Review status: criteria provided, single submitter. Criteria: Ambry Variant Classification Scheme 2023. Collection method: clinical testing. Allele origin: germline.
Comment: The p.R2432G variant (also known as c.7294A>G), located in coding exon 13 of the BRCA2 gene, results from an A to G substitution at nucleotide position 7294. The arginine at codon 2432 is replaced by glycine, an amino acid with dissimilar properties. This amino acid position is poorly conserved in available vertebrate species. In addition, this alteration is predicted to be tolerated by in silico analysis. Since supporting evidence is limited at this time, the clinical significance of this alteration remains unclear.

All of Us Research Program, National Institutes of Health
Classification: Uncertain significance for Breast-ovarian cancer, familial, susceptibility to, 2. Last evaluated: 2023-10-06. Review status: criteria provided, single submitter. Criteria: ACMG Guidelines, 2015. Collection method: clinical testing. Allele origin: germline. Inheritance: Autosomal dominant inheritance. Observed: 1 variant allele, 1 heterozygote.
Comment: This missense variant replaces arginine with glycine at codon 2432 of the BRCA2 protein. Computational prediction tools and conservation analyses are inconclusive regarding the impact of this variant on protein structure and function. Splice site prediction tools suggest that this variant may not impact RNA splicing. To our knowledge, functional studies have not been performed for this variant. This variant has not been reported in individuals affected with hereditary cancer in the literature. This variant has not been identified in the general population by the Genome Aggregation Database (gnomAD). The available evidence is insufficient to determine the role of this variant in disease conclusively. Therefore, this variant is classified as a Variant of Uncertain Significance.

This study involves interpretation of variants in research participants for the purpose of population health screening. Participant phenotype was not available at the time of variant classification. Additional details can be found in publication PMID: 35346344, PMCID: PMC8962531

Color Diagnostics, LLC DBA Color Health
Classification: Uncertain significance for Hereditary cancer-predisposing syndrome. Last evaluated: 2023-09-14. Review status: criteria provided, single submitter. Criteria: ACMG Guidelines, 2015. Collection method: clinical testing. Allele origin: germline.
Comment: This missense variant replaces arginine with glycine at codon 2432 of the BRCA2 protein. Computational prediction suggests that this variant may not impact protein structure and function (internally defined REVEL score threshold <= 0.5, PMID: 27666373). To our knowledge, functional studies have not been reported for this variant. This variant has not been reported in individuals affected with BRCA2-related disorders in the literature. This variant has not been identified in the general population by the Genome Aggregation Database (gnomAD). The available evidence is insufficient to determine the role of this variant in disease conclusively. Therefore, this variant is classified as a Variant of Uncertain Significance.

Labcorp Genetics (formerly Invitae), Labcorp
Classification: Uncertain significance for Hereditary breast ovarian cancer syndrome. Last evaluated: 2021-11-29. Review status: criteria provided, single submitter. Criteria: Invitae Variant Classification Sherloc (09022015). Collection method: clinical testing. Allele origin: germline.
Comment: In summary, the available evidence is currently insufficient to determine the role of this variant in disease. Therefore, it has been classified as a Variant of Uncertain Significance. Advanced modeling of protein sequence and biophysical properties (such as structural, functional, and spatial information, amino acid conservation, physicochemical variation, residue mobility, and thermodynamic stability) performed at Invitae indicates that this missense variant is not expected to disrupt BRCA2 protein function. ClinVar contains an entry for this variant (Variation ID: 479306). This variant has not been reported in the literature in individuals affected with BRCA2-related conditions. This variant is not present in population databases (gnomAD no frequency). This sequence change replaces arginine, which is basic and polar, with glycine, which is neutral and non-polar, at codon 2432 of the BRCA2 protein (p.Arg2432Gly).

Women's Health and Genetics/Laboratory Corporation of America, LabCorp
Classification: Uncertain significance. Last evaluated: 2017-09-18. Review status: criteria provided, single submitter. Criteria: LabCorp Variant Classification Summary - May 2015. Collection method: clinical testing. Allele origin: germline.
Comment: Variant summary: The BRCA2 c.7294A>G (p.Arg2432Gly) variant involves the alteration of a non-conserved nucleotide. 3/5 in silico tools predict a damaging outcome for this variant. This variant is absent in 121272 control chromosomes from ExAC. To our knowledge, the variant has not been reported in affected individuals via publications and/or reputable databases/clinical diagnostic laboratories, nor has it been evaluated for functional impact by in vivo/vitro studies. Because of the absence of clinical information and the lack of functional studies, the variant is classified as a variant of uncertain significance (VUS) until additional information becomes available.